The following is an entry in ClinVar:

ClinVar aggregate classification (germline): Uncertain significance. Review status: criteria provided, multiple submitters, no conflicts (2 of 4 stars). 2 submissions from 2 submitters: Uncertain significance (2). Last evaluated 2025-11-26.

Conditions:
Inborn genetic diseases. Identifiers: MedGen C0950123, MeSH D030342.

Allele frequency attached by ClinVar (database versions not stated): TOPMed 0.00001.
gnomAD v4.1: 1 of 1,613,512 alleles (0.000062%); highest among the groups gnomAD compares: African/African-American, 0.0013%; no homozygotes.

Submissions (2):

Ambry Genetics
Classification: Uncertain significance for Inborn genetic diseases. Last evaluated: 2025-11-26. Review status: criteria provided, single submitter. Criteria: Ambry Variant Classification Scheme 2023. Collection method: clinical testing. Allele origin: germline.

Labcorp Genetics (formerly Invitae), Labcorp
Classification: Uncertain significance. Last evaluated: 2022-12-31. Review status: criteria provided, single submitter. Criteria: Invitae Variant Classification Sherloc (09022015). Collection method: clinical testing. Allele origin: germline.
Comment: In summary, the available evidence is currently insufficient to determine the role of this variant in disease. Therefore, it has been classified as a Variant of Uncertain Significance. Algorithms developed to predict the effect of missense changes on protein structure and function (SIFT, PolyPhen-2, Align-GVGD) all suggest that this variant is likely to be disruptive. ClinVar contains an entry for this variant (Variation ID: 957883). This variant has not been reported in the literature in individuals affected with CACNA2D4-related conditions. This variant is not present in population databases (gnomAD no frequency). This sequence change replaces threonine, which is neutral and polar, with serine, which is neutral and polar, at codon 320 of the CACNA2D4 protein (p.Thr320Ser).

NM_172364.5(CACNA2D4):c.959C>G (p.Thr320Ser)

Gene: CACNA2D4 (calcium voltage-gated channel auxiliary subunit alpha2delta 4; minus strand). Cytogenetic location: 12p13.33.
Variant type: single nucleotide variant.
Coding change: c.959C>G on transcript NM_172364.5 (MANE Select); coding-DNA position 959, C replaced by G.
Protein change: p.Thr320Ser; replaces threonine 320 with serine.
Molecular consequence: missense variant.
Genome position (GRCh38, 1-based): chr12:1,886,257, G>C on the plus strand (C>G on the coding strand, the complement: CACNA2D4 is on the minus strand). VCF-style: chr12-1886257-G-C. GRCh37 (hg19) VCF-style: chr12-1995423-G-C.
Other names: short protein forms T320S.
Identifiers: ClinVar variation 957883 (VCV000957883.10), dbSNP rs1190082678, ClinGen allele CA383360502.